The following is an entry in ClinVar:

NM_000548.5(TSC2):c.2067C>T (p.Leu689=)

Gene: TSC2 (TSC complex subunit 2; plus strand). Cytogenetic location: 16p13.3.
Variant type: single nucleotide variant.
Coding change: c.2067C>T on transcript NM_000548.5 (MANE Select); coding-DNA position 2067, C replaced by T.
Protein change: p.Leu689=; no amino-acid change (leucine 689 retained).
Molecular consequence: synonymous variant.
Genome position (GRCh38, 1-based): chr16:2,071,904, C>T. VCF-style: chr16-2071904-C-T. GRCh37 (hg19) VCF-style: chr16-2121905-C-T.
Other names: c.2067C>T, p.Leu689= (NM_001077183.3, NM_001114382.3, NM_001363528.2 and 3 more transcripts); c.1956C>T, p.Leu652= (NM_001318827.2); c.1920C>T, p.Leu640= (NM_001318829.2); c.1467C>T, p.Leu489= (NM_001318831.2); c.2100C>T, p.Leu700= (NM_001318832.2).
Identifiers: ClinVar variation 413711 (VCV000413711.16), dbSNP rs1060504107, ClinGen allele CA16614934.

ClinVar aggregate classification (germline): Benign/Likely benign. Review status: criteria provided, multiple submitters, no conflicts (2 of 4 stars). 4 submissions from 4 submitters: Benign (1); Likely benign (3). Last evaluated 2025-12-15.

Conditions:
Hereditary cancer-predisposing syndrome. Also called: Tumor predisposition; Neoplastic Syndromes, Hereditary; Hereditary Cancer Syndrome; Hereditary neoplastic syndrome. Identifiers: Orphanet 140162, MedGen C0027672, MeSH D009386, MONDO:0015356.
Tuberous sclerosis syndrome (TSC). Also called: Tuberous Sclerosis Complex; Tuberous sclerosis. Identifiers: Orphanet 805, MedGen C0041341, MONDO:0001734.
Tuberous sclerosis 2 (TSC2). Identifiers: Orphanet 805, MedGen C1860707, MONDO:0013199, OMIM 613254.

Allele frequency attached by ClinVar (database versions not stated): gnomAD exomes below 0.00001.
gnomAD v4.1: 4 of 1,594,244 alleles (0.00025%); highest among the groups gnomAD compares: Non-Finnish European, 0.00034%; no homozygotes.

Submissions (4):

Labcorp Genetics (formerly Invitae), Labcorp
Classification: Likely benign for Tuberous sclerosis 2. Last evaluated: 2025-12-15. Review status: criteria provided, single submitter. Criteria: Invitae Variant Classification Sherloc (09022015). Collection method: clinical testing. Allele origin: germline.

Myriad Genetics, Inc.
Classification: Benign for Tuberous sclerosis 2. Last evaluated: 2025-05-16. Review status: criteria provided, single submitter. Criteria: Myriad Autosomal Dominant, Autosomal Recessive and X-Linked Classification Criteria (2023). Collection method: clinical testing. Allele origin: unknown.
Comment: This variant is considered benign. This variant is a silent/synonymous amino acid change and it is not expected to impact splicing.

All of Us Research Program, National Institutes of Health
Classification: Likely benign for Tuberous sclerosis syndrome. Last evaluated: 2023-05-16. Review status: criteria provided, single submitter. Criteria: ACMG Guidelines, 2015. Collection method: clinical testing. Allele origin: germline. Inheritance: Autosomal dominant inheritance. Observed: 1 variant allele, 1 heterozygote.
Comment: This study involves interpretation of variants in research participants for the purpose of population health screening. Participant phenotype was not available at the time of variant classification. Additional details can be found in publication PMID: 35346344, PMCID: PMC8962531

Ambry Genetics
Classification: Likely benign for Hereditary cancer-predisposing syndrome. Last evaluated: 2020-10-27. Review status: criteria provided, single submitter. Criteria: Ambry Variant Classification Scheme 2023. Collection method: clinical testing. Allele origin: germline.